The following is an entry in ClinVar:

NM_001042424.3(NSD2):c.28C>T (p.Leu10Phe)

Gene: NSD2 (nuclear receptor binding SET domain protein 2; plus strand). Cytogenetic location: 4p16.3.
Variant type: single nucleotide variant.
Coding change: c.28C>T on transcript NM_001042424.3 (MANE Select); coding-DNA position 28, C replaced by T.
Protein change: p.Leu10Phe; replaces leucine 10 with phenylalanine.
Molecular consequence: missense variant.
Genome position (GRCh38, 1-based): chr4:1,900,682, C>T. VCF-style: chr4-1900682-C-T. GRCh37 (hg19) VCF-style: chr4-1902409-C-T.
Other names: c.28C>T, p.Leu10Phe (NM_007331.2, NM_133330.3, NM_133331.3 and 2 more transcripts); short protein forms L10F.
Identifiers: ClinVar variation 2662722 (VCV002662722.1), dbSNP rs1328532362, ClinGen allele CA355988898.

ClinVar aggregate classification (germline): Uncertain significance (1 of 4 stars; one submission).

Submission:

GeneDx
Classification: Uncertain significance. Last evaluated: 2023-04-26. Review status: criteria provided, single submitter. Criteria: GeneDx Variant Classification Process June 2021. Collection method: clinical testing. Allele origin: germline. Affected: yes.
Comment: Not observed at significant frequency in large population cohorts (gnomAD); In silico analysis supports that this missense variant has a deleterious effect on protein structure/function; Has not been previously published as pathogenic or benign to our knowledge